The following is an entry in ClinVar:

NM_001368882.1(COL13A1):c.1519G>A (p.Asp507Asn)

Gene: COL13A1 (collagen type XIII alpha 1 chain; plus strand). Cytogenetic location: 10q22.1.
Variant type: single nucleotide variant.
Coding change: c.1519G>A on transcript NM_001368882.1 (MANE Select); coding-DNA position 1519, G replaced by A.
Protein change: p.Asp507Asn; replaces aspartic acid 507 with asparagine.
Molecular consequence: missense variant.
Genome position (GRCh38, 1-based): chr10:69,930,076, G>A. VCF-style: chr10-69930076-G-A. GRCh37 (hg19) VCF-style: chr10-71689832-G-A.
Other names: p.Asp496Asn; c.1486G>A, p.Asp496Asn (NM_001130103.2); c.1456G>A, p.Asp486Asn (NM_001320951.2, NM_001368884.1); c.1483G>A, p.Asp495Asn (NM_001368883.1); c.1420G>A, p.Asp474Asn (NM_001368885.1, NM_080801.4, NM_080802.4); c.856G>A, p.Asp286Asn (NM_001368886.1); c.1429G>A, p.Asp477Asn (NM_001368895.1, NM_080800.4); c.1315G>A, p.Asp439Asn (NM_001368896.1, NM_001368898.1, NM_080798.4); and 3 more; short protein forms D439N, D445N, D448N, D507N, D286N, D477N, D486N, D495N.
Identifiers: ClinVar variation 1409274 (VCV001409274.8), dbSNP rs760829974, ClinGen allele CA5534803.

ClinVar aggregate classification (germline): Uncertain significance. Review status: criteria provided, multiple submitters, no conflicts (2 of 4 stars). 3 submissions from 3 submitters: Uncertain significance (3). Last evaluated 2024-01-23.

Conditions:
Inborn genetic diseases. Identifiers: MedGen C0950123, MeSH D030342.

Allele frequency attached by ClinVar (database versions not stated): gnomAD 0.00007 and 0.00008; gnomAD exomes 0.00008; TOPMed 0.00008; ExAC 0.00014.
gnomAD v4.1: 50 of 1,613,814 alleles (0.0031%); highest among the groups gnomAD compares: East Asian, 0.065%; no homozygotes.

Submissions (3):

Ambry Genetics
Classification: Uncertain significance for Inborn genetic diseases. Last evaluated: 2024-01-23. Review status: criteria provided, single submitter. Criteria: Ambry Variant Classification Scheme 2023. Collection method: clinical testing. Allele origin: germline.

Mayo Clinic Laboratories, Mayo Clinic
Classification: Uncertain significance. Last evaluated: 2023-06-22. Review status: criteria provided, single submitter. Criteria: ACMG Guidelines, 2015. Collection method: clinical testing. Allele origin: germline. Observed: 1 variant allele.

Labcorp Genetics (formerly Invitae), Labcorp
Classification: Uncertain significance. Last evaluated: 2022-06-20. Review status: criteria provided, single submitter. Criteria: Invitae Variant Classification Sherloc (09022015). Collection method: clinical testing. Allele origin: germline.
Comment: This sequence change replaces aspartic acid, which is acidic and polar, with asparagine, which is neutral and polar, at codon 496 of the COL13A1 protein (p.Asp496Asn). In summary, the available evidence is currently insufficient to determine the role of this variant in disease. Therefore, it has been classified as a Variant of Uncertain Significance. Algorithms developed to predict the effect of missense changes on protein structure and function are either unavailable or do not agree on the potential impact of this missense change (SIFT: "Deleterious"; PolyPhen-2: "Benign"; Align-GVGD: "Class C15"). This variant has not been reported in the literature in individuals affected with COL13A1-related conditions. This variant is present in population databases (rs760829974, gnomAD 0.1%).